The following is an entry in ClinVar:

NM_001081550.2(THOC2):c.1024G>C (p.Asp342His)

Gene: THOC2 (THO complex subunit 2; minus strand). Cytogenetic location: Xq25.
Variant type: single nucleotide variant.
Coding change: c.1024G>C on transcript NM_001081550.2 (MANE Select); coding-DNA position 1024, G replaced by C.
Protein change: p.Asp342His; replaces aspartic acid 342 with histidine.
Molecular consequence: missense variant.
Genome position (GRCh38, 1-based): chrX:123,667,272, C>G on the plus strand (G>C on the coding strand, the complement: THOC2 is on the minus strand). VCF-style: chrX-123667272-C-G. GRCh37 (hg19) VCF-style: chrX-122801123-C-G.
Other names: short protein forms D342H.
Identifiers: ClinVar variation 4057136 (VCV004057136.1).
Genomic context (GRCh38, chrX:123,667,272, plus strand): 5'-GTGCATGTTGCCAATCACCAATCTTTAATAAGGCTTCCAACAAGCCAAGTTTTTGGTTAT[C>G]AGGTGGCTAAAAATGAATAGTCAAAACTAAGATACTCAGGATACAGACATCAAGAAATCT-3'
Protein context (NP_001075019.1, residues 332-352): KEEEKVEKPP[Asp342His]NQKLGLLEAL

ClinVar aggregate classification (germline): Uncertain significance (1 of 4 stars; one submission).

Submission:

GeneDx
Classification: Uncertain significance. Last evaluated: 2025-01-14. Review status: criteria provided, single submitter. Criteria: GeneDx Variant Classification Process June 2021. Collection method: clinical testing. Allele origin: germline. Affected: yes.
Comment: Not observed at significant frequency in large population cohorts (gnomAD); In silico analysis indicates that this missense variant does not alter protein structure/function; Has not been previously published as pathogenic or benign to our knowledge